The following is an entry in ClinVar:

ClinVar aggregate classification (germline): Uncertain significance (1 of 4 stars; one submission).

Submission:

Labcorp Genetics (formerly Invitae), Labcorp
Classification: Uncertain significance. Last evaluated: 2025-10-07. Review status: criteria provided, single submitter. Criteria: Invitae Variant Classification Sherloc (09022015). Collection method: clinical testing. Allele origin: germline.
Comment: This sequence change replaces leucine, which is neutral and non-polar, with proline, which is neutral and non-polar, at codon 132 of the GNAS protein (p.Leu132Pro). This variant is not present in population databases (gnomAD no frequency). This missense change has been observed in individual(s) with GNAS-related conditions (PMID: 10980525). Invitae Evidence Modeling of protein sequence and biophysical properties (such as structural, functional, and spatial information, amino acid conservation, physicochemical variation, residue mobility, and thermodynamic stability) indicates that this missense variant is expected to disrupt GNAS protein function with a positive predictive value of 80%. This variant disrupts the p.Leu132 amino acid residue in GNAS. Other variant(s) that disrupt this residue have been determined to be pathogenic (internal data). This suggests that this residue is clinically significant, and that variants that disrupt this residue are likely to be disease-causing. In summary, the available evidence is currently insufficient to determine the role of this variant in disease. Therefore, it has been classified as a Variant of Uncertain Significance.

Literature cited by the submitters: PubMed 10980525.

NM_000516.7(GNAS):c.395T>C (p.Leu132Pro)

Gene: GNAS (GNAS complex locus; plus strand). Cytogenetic location: 20q13.32.
Variant type: single nucleotide variant.
Coding change: c.395T>C on transcript NM_000516.7 (MANE Select); coding-DNA position 395, T replaced by C.
Protein change: p.Leu132Pro; replaces leucine 132 with proline.
Molecular consequence: missense variant. On other transcripts: 3 prime UTR variant (2).
Genome position (GRCh38, 1-based): chr20:58,903,754, T>C. VCF-style: chr20-58903754-T-C. GRCh37 (hg19) VCF-style: chr20-57478809-T-C.
Other names: c.398T>C, p.Leu133Pro (NM_001077488.5); c.350T>C, p.Leu117Pro (NM_001077489.4); c.*256T>C (NM_001077490.3); c.218T>C, p.Leu73Pro (NM_001309840.2, NM_001309861.2, NM_001438276.1 and 1 more transcripts); c.299T>C, p.Leu100Pro (NM_001410912.1); c.2279T>C, p.Leu760Pro (NM_001410913.1); c.173T>C, p.Leu58Pro (NM_001438273.1, NM_001438274.1, NM_001438275.1); c.*301T>C (NM_016592.5); and 2 more; short protein forms L100P, L117P, L118P, L133P, L73P, L132P, L58P, L760P.
Identifiers: ClinVar variation 4710590 (VCV004710590.1).